The following is an entry in ClinVar:

NM_001278064.2(GRM1):c.3456C>T (p.Arg1152=)

Gene: GRM1 (glutamate metabotropic receptor 1; plus strand). Cytogenetic location: 6q24.3.
Variant type: single nucleotide variant.
Coding change: c.3456C>T on transcript NM_001278064.2 (MANE Select); coding-DNA position 3456, C replaced by T.
Protein change: p.Arg1152=; no amino-acid change (arginine 1152 retained).
Molecular consequence: synonymous variant. On other transcripts: 3 prime UTR variant (3).
Genome position (GRCh38, 1-based): chr6:146,434,667, C>T. VCF-style: chr6-146434667-C-T. GRCh37 (hg19) VCF-style: chr6-146755803-C-T.
Other names: c.*820C>T (NM_001278065.2); c.*785C>T (NM_001278066.1); c.*694C>T (NM_001278067.1).
Identifiers: ClinVar variation 2684219 (VCV002684219.1), dbSNP rs1778536724, ClinGen allele CA452727869.

ClinVar aggregate classification (germline): Uncertain significance (1 of 4 stars; one submission).

Allele frequency attached by ClinVar (database versions not stated): TOPMed below 0.00001.
gnomAD v4.1: 1 of 1,608,088 alleles (0.000062%); highest among the groups gnomAD compares: Non-Finnish European, 0.000085%; no homozygotes.

Submission:

Athena Diagnostics
Classification: Uncertain significance. Last evaluated: 2023-01-10. Review status: criteria provided, single submitter. Criteria: Athena Diagnostics Criteria. Collection method: clinical testing. Allele origin: unknown.
Comment: Available data are insufficient to determine the clinical significance of the variant at this time. This variant has not been reported in large, multi-ethnic general populations. Computational tools yielded predictions that this variant is unlikely to have an effect on normal RNA splicing.